The following is an entry in ClinVar:

NM_000179.3(MSH6):c.1065_1066del (p.Gly355_Gly356insTer)

Gene: MSH6 (mutS homolog 6; plus strand). Cytogenetic location: 2p16.3.
Variant type: Deletion.
Coding change: c.1065_1066del on transcript NM_000179.3 (MANE Select); coding-DNA positions 1065 to 1066, 2 bases deleted (TG; older notation c.1065_1066delTG).
Protein change: p.Gly355_Gly356insTer.
Molecular consequence: frameshift variant.
Genome position (GRCh38, 1-based): chr2:47,799,048-47,799,049, TG deleted; deleting any 2 consecutive bases within chr2:47,799,047-47,799,049 gives the same sequence; the c. name uses the placement nearest the transcript's 3' end. VCF-style (leftmost placement, unchanged base first): chr2-47799046-GGT-G. GRCh37 (hg19) VCF-style: chr2-48026185-GGT-G.
Other names: c.675_676del, p.Gly225_Gly226insTer (NM_001281492.2); c.159_160del, p.Gly53_Gly54insTer (NM_001281493.2, NM_001281494.2).
Identifiers: ClinVar variation 1425470 (VCV001425470.6), dbSNP rs2104317288, ClinGen allele CA2573134908.

ClinVar aggregate classification (germline): Pathogenic (1 of 4 stars; one submission).

Conditions:
Hereditary nonpolyposis colorectal neoplasms. Identifiers: MedGen C0009405, MeSH D003123.

Submission:

Labcorp Genetics (formerly Invitae), Labcorp
Classification: Pathogenic for Hereditary nonpolyposis colorectal neoplasms. Last evaluated: 2021-11-19. Review status: criteria provided, single submitter. Criteria: Invitae Variant Classification Sherloc (09022015). Collection method: clinical testing. Allele origin: germline.
Comment: For these reasons, this variant has been classified as Pathogenic. Algorithms developed to predict the effect of sequence changes on RNA splicing suggest that this variant may create or strengthen a splice site. This variant has not been reported in the literature in individuals affected with MSH6-related conditions. This variant is not present in population databases (gnomAD no frequency). This sequence change creates a premature translational stop signal (p.Gly356*) in the MSH6 gene. It is expected to result in an absent or disrupted protein product. Loss-of-function variants in MSH6 are known to be pathogenic (PMID: 18269114, 24362816).

Literature cited by the submitters: PubMed 18269114; PubMed 24362816.